The following is an entry in ClinVar:

ClinVar aggregate classification (germline): Uncertain significance (1 of 4 stars; one submission).

Submission:

Labcorp Genetics (formerly Invitae), Labcorp
Classification: Uncertain significance. Last evaluated: 2024-01-30. Review status: criteria provided, single submitter. Criteria: Invitae Variant Classification Sherloc (09022015). Collection method: clinical testing. Allele origin: germline.
Comment: This sequence change replaces threonine, which is neutral and polar, with isoleucine, which is neutral and non-polar, at codon 169 of the SLC25A32 protein (p.Thr169Ile). This variant is not present in population databases (gnomAD no frequency). This variant has not been reported in the literature in individuals affected with SLC25A32-related conditions. Advanced modeling of protein sequence and biophysical properties (such as structural, functional, and spatial information, amino acid conservation, physicochemical variation, residue mobility, and thermodynamic stability) performed at Invitae indicates that this missense variant is not expected to disrupt SLC25A32 protein function with a negative predictive value of 80%. In summary, the available evidence is currently insufficient to determine the role of this variant in disease. Therefore, it has been classified as a Variant of Uncertain Significance.

NM_030780.5(SLC25A32):c.506C>T (p.Thr169Ile)

Gene: SLC25A32 (solute carrier family 25 member 32; minus strand). Cytogenetic location: 8q22.3.
Variant type: single nucleotide variant.
Coding change: c.506C>T on transcript NM_030780.5 (MANE Select); coding-DNA position 506, C replaced by T.
Protein change: p.Thr169Ile; replaces threonine 169 with isoleucine.
Molecular consequence: missense variant. On other transcripts: non-coding transcript variant (2).
Genome position (GRCh38, 1-based): chr8:103,403,210, G>A on the plus strand (C>T on the coding strand, the complement: SLC25A32 is on the minus strand). VCF-style: chr8-103403210-G-A. GRCh37 (hg19) VCF-style: chr8-104415438-G-A.
Other names: short protein forms T169I.
Identifiers: ClinVar variation 2825086 (VCV002825086.3), dbSNP rs776914758, ClinGen allele CA371625036.